The following is an entry in ClinVar:

ClinVar aggregate classification (germline): Conflicting classifications of pathogenicity. Review status: criteria provided, conflicting classifications (1 of 4 stars). 6 submissions from 6 submitters: Uncertain significance (1); Benign (1); Likely benign (3). 1 of the submissions does not count toward it. Last evaluated 2026-01-12.

Conditions:
ADGRV1-related disorder. Also called: ADGRV1-related disorders; ADGRV1-related condition.

Allele frequency attached by ClinVar (database versions not stated): gnomAD 0.00014 and 0.00007; gnomAD exomes 0.00016 and 0.00027; ExAC 0.00036; 1000 Genomes Project 30x 0.00047; 1000 Genomes Project 0.00060; TOPMed 0.00011.
gnomAD v4.1: 248 of 1,613,676 alleles (0.015%); highest among the groups gnomAD compares: South Asian, 0.21%; 2 homozygotes.

Submissions (6):

Labcorp Genetics (formerly Invitae), Labcorp
Classification: Likely benign. Last evaluated: 2026-01-12. Review status: criteria provided, single submitter. Criteria: Invitae Variant Classification Sherloc (09022015). Collection method: clinical testing. Allele origin: germline.

PreventionGenetics, part of Exact Sciences
Classification: Likely benign for ADGRV1-related condition. Last evaluated: 2025-07-15. Review status: criteria provided, single submitter. Criteria: ACMG Guidelines, 2015. Collection method: clinical testing. Allele origin: germline.
Comment: This variant is classified as likely benign based on ACMG/AMP sequence variant interpretation guidelines (Richards et al. 2015 PMID: 25741868, with internal and published modifications).

Blueprint Genetics
Classification: Benign. Last evaluated: 2024-11-19. Review status: criteria provided, single submitter. Criteria: ACMG Guidelines, 2015. Collection method: clinical testing. Allele origin: germline.

GeneDx
Classification: Likely benign. Last evaluated: 2019-04-05. Review status: criteria provided, single submitter. Criteria: GeneDx Variant Classification Process June 2021. Collection method: clinical testing. Allele origin: germline. Affected: yes.
Comment: This variant is associated with the following publications: (PMID: 29266188)

Laboratory for Molecular Medicine, Mass General Brigham Personalized Medicine
Classification: Uncertain significance. Last evaluated: 2012-05-07. Review status: criteria provided, single submitter. Criteria: LMM Criteria. Collection method: clinical testing. Allele origin: germline. Observed: 1 variant allele.
Comment: Variant classified as Uncertain Significance - Favor Benign. The Ile3156Val vari ant (GPR98) has not been reported in the literature or in SNP databases nor prev iously identified by our laboratory. Computational analyses (biochemical amino a cid properties, conservation, AlignGVGD, PolyPhen2, and SIFT) do not provide str ong support for or against an impact to the protein; however, Isoleucine (Ile) a t position 3156 is replaced by Val (Valine) in zebrafish suggesting the variant is more likely benign. In summary, the clinical significance of this variant can not be determined with certainty at this time, though we would lean towards a mo re likely benign role.

Department of Pathology and Laboratory Medicine, Sinai Health System
Classification: Likely benign. Review status: no assertion criteria provided. Collection method: clinical testing. Allele origin: unknown. Affected: yes. Study: The Canadian Open Genetics Repository (COGR). Not counted in ClinVar's aggregate classification.
Comment: The ADGRV1 p.Ile3156Val variant was identified in 1 of 190 proband chromosomes (frequency: 0.00526) from individuals or families with myoclonic seizures and was not identified in 1056 control chromosomes from healthy individuals (Myers_2018_PMID:29266188). The variant was also identified in dbSNP (ID: rs372484022) and in ClinVar (classifed as a VUS by Laboratory for Molecular Medicine, Partners HealthCare Personalized Medicine). The variant was not identified in Cosmic or LOVD 3.0. The variant was identified in control databases in 69 of 279132 chromosomes (1 homozygous) at a frequency of 0.000247 (Genome Aggregation Database Feb 27, 2017). The variant was observed in the following populations: South Asian in 57 of 30568 chromosomes (freq: 0.001865), Latino in 3 of 35298 chromosomes (freq: 0.000085), European (non-Finnish) in 7 of 127064 chromosomes (freq: 0.000055), African in 1 of 24196 chromosomes (freq: 0.000041), European (Finnish) in 1 of 25022 chromosomes (freq: 0.00004), while the variant was not observed in the Ashkenazi Jewish, East Asian, and Other populations. The p.Ile3156 residue is not conserved in mammals and four out of five computational analyses (PolyPhen-2, SIFT, AlignGVGD, BLOSUM) do not suggest a high likelihood of impact to the protein; however, this information is not predictive enough to rule out pathogenicity. The variant occurs outside of the splicing consensus sequence and in silico or computational prediction software programs (SpliceSiteFinder, MaxEntScan, NNSPLICE, GeneSplicer) do not predict a difference in splicing. In summary, based on the above information the clinical significance of this variant cannot be determined with certainty at this time although we would lean towards a more benign role for this variant. This variant is classified as likely benign.

NM_032119.4(ADGRV1):c.9466A>G (p.Ile3156Val)

Gene: ADGRV1 (adhesion G protein-coupled receptor V1; plus strand). Cytogenetic location: 5q14.3.
Variant type: single nucleotide variant.
Coding change: c.9466A>G on transcript NM_032119.4 (MANE Select); coding-DNA position 9466, A replaced by G.
Protein change: p.Ile3156Val; replaces isoleucine 3156 with valine.
Molecular consequence: missense variant. On other transcripts: non-coding transcript variant (1).
Genome position (GRCh38, 1-based): chr5:90,720,066, A>G. VCF-style: chr5-90720066-A-G. GRCh37 (hg19) VCF-style: chr5-90015883-A-G.
Other names: short protein forms I3156V.
Identifiers: ClinVar variation 46405 (VCV000046405.19), dbSNP rs372484022, ClinGen allele CA138269.
Genomic context (GRCh38, chr5:90,720,066, plus strand): 5'-ATACTGTATTCTAGTAACCTTATCTTTTGATTTTGTTTTCAGGCCCTACAAATATCTGCC[A>G]TATTAGACACGGAACCAGAAATGGATGAGTATTTTGTTTGCACCTTGTTTAATCCAACTG-3'
Protein context (NP_115495.3, residues 3146-3166): VRFKALQISA[Ile3156Val]LDTEPEMDEY